The following is an entry in ClinVar:

ClinVar aggregate classification (germline): Conflicting classifications of pathogenicity. Review status: criteria provided, conflicting classifications (1 of 4 stars). 3 submissions from 3 submitters: Uncertain significance (1); Likely benign (1). 1 of the submissions does not count toward it. Last evaluated 2025-08-20.

Conditions:
Hereditary cancer-predisposing syndrome. Also called: Hereditary neoplastic syndrome; Neoplastic Syndromes, Hereditary; Tumor predisposition; Hereditary Cancer Syndrome. Identifiers: Orphanet 140162, MedGen C0027672, MeSH D009386, MONDO:0015356.
Ovarian cancer. Also called: OVARIAN CANCER, SOMATIC. Identifiers: Orphanet 213500, MedGen C1140680, MONDO:0008170, OMIM 167000.
Hereditary breast ovarian cancer syndrome. Also called: BRCA1- and BRCA2-Associated Hereditary Breast and Ovarian Cancer; Hereditary breast and ovarian cancer syndrome; Hereditary breast and ovarian cancer; Hereditary breast and ovarian cancer syndrome (HBOC); Hereditary breast and/or ovarian cancer syndrome; Breast and ovarian cancer. Identifiers: Orphanet 145, MedGen C0677776, MeSH D061325, MONDO:0003582. Disease mechanism: loss of function.

Allele frequency attached by ClinVar (database versions not stated): TOPMed 0.00001.

Submissions (3):

Labcorp Genetics (formerly Invitae), Labcorp
Classification: Uncertain significance for Hereditary breast ovarian cancer syndrome. Last evaluated: 2025-08-20. Review status: criteria provided, single submitter. Criteria: Invitae Variant Classification Sherloc (09022015). Collection method: clinical testing. Allele origin: germline.
Comment: This sequence change replaces leucine, which is neutral and non-polar, with glutamine, which is neutral and polar, at codon 1292 of the BRCA2 protein (p.Leu1292Gln). This variant is not present in population databases (gnomAD no frequency). This variant has not been reported in the literature in individuals affected with BRCA2-related conditions. ClinVar contains an entry for this variant (Variation ID: 559988). Invitae Evidence Modeling of protein sequence and biophysical properties (such as structural, functional, and spatial information, amino acid conservation, physicochemical variation, residue mobility, and thermodynamic stability) indicates that this missense variant is not expected to disrupt BRCA2 protein function with a negative predictive value of 95%. In summary, the available evidence is currently insufficient to determine the role of this variant in disease. Therefore, it has been classified as a Variant of Uncertain Significance.

University of Washington Department of Laboratory Medicine, University of Washington
Classification: Likely benign for Hereditary cancer-predisposing syndrome. Last evaluated: 2023-03-23. Review status: criteria provided, single submitter. Criteria: Dines et al. (Genet Med. 2020). Collection method: curation. Allele origin: germline.
Comment: Missense variant in a coldspot region where missense variants are very unlikely to be pathogenic (PMID:31911673).

BRCA2 exon 11 coldspot. Reclassification based on statistical prior probability.

3DMed Clinical Laboratory Inc
Classification: Uncertain significance for Ovarian cancer. Last evaluated: 2017-03-20. Review status: no assertion criteria provided. Criteria: ACMG Guidelines, 2015. Collection method: clinical testing. Allele origin: germline. Affected: yes. Not counted in ClinVar's aggregate classification.

NM_000059.4(BRCA2):c.3875T>A (p.Leu1292Gln)

Gene: BRCA2 (BRCA2 DNA repair associated; plus strand). Cytogenetic location: 13q13.1.
Variant type: single nucleotide variant.
Coding change: c.3875T>A on transcript NM_000059.4 (MANE Select); coding-DNA position 3875, T replaced by A.
Protein change: p.Leu1292Gln; replaces leucine 1292 with glutamine.
Molecular consequence: missense variant.
Genome position (GRCh38, 1-based): chr13:32,338,230, T>A. VCF-style: chr13-32338230-T-A. GRCh37 (hg19) VCF-style: chr13-32912367-T-A.
Other names: short protein forms L1292Q.
Identifiers: ClinVar variation 559988 (VCV000559988.11), dbSNP rs1555283446, ClinGen allele CA387778729.